The following is an entry in ClinVar:

ClinVar aggregate classification (germline): Likely benign (1 of 4 stars; one submission).

Submission:

CeGaT Center for Human Genetics Tuebingen
Classification: Likely benign. Last evaluated: 2026-06-01. Review status: criteria provided, single submitter. Criteria: CeGaT Center For Human Genetics Tuebingen Variant Classification Criteria Version 2. Collection method: clinical testing. Allele origin: germline. Affected: yes. Observed: 3 variant alleles.
Comment: BRD4: BS1

NM_001379291.1(BRD4):c.2158+2696_2158+2704del

Gene: BRD4 (bromodomain containing 4; minus strand). Cytogenetic location: 19p13.12.
Variant type: Deletion.
Coding change: c.2158+2696_2158+2704del on transcript NM_001379291.1 (MANE Select); bases 2696 to 2704 of the intron after coding-DNA position 2158, 9 bases deleted (GCCCCCCCC; older notation c.2158+2696_2158+2704delGCCCCCCCC).
Molecular consequence: intron variant.
Genome position (GRCh38, 1-based): chr19:15,251,448-15,251,456, GGGGGGGGC deleted on the plus strand (GCCCCCCCC on the coding strand, the reverse complement: BRD4 is on the minus strand); deleting any 9 consecutive bases within chr19:15,251,448-15,251,461 gives the same sequence; the c. name uses the placement nearest the transcript's 3' end. VCF-style (leftmost placement, unchanged base first): chr19-15251447-GGGGGGGGGC-G. GRCh37 (hg19) VCF-style: chr19-15362258-GGGGGGGGGC-G.
Other names: c.2158+2696_2158+2704del (NM_058243.3); c.2159-2166_2159-2158del (NM_001379292.1, NM_014299.3).
Identifiers: ClinVar variation 2649474 (VCV002649474.24), dbSNP rs1468431228, ClinGen allele CA631944185.